The following is an entry in ClinVar:

ClinVar aggregate classification (germline): Likely pathogenic (1 of 4 stars; one submission).

Submission:

Labcorp Genetics (formerly Invitae), Labcorp
Classification: Likely pathogenic. Last evaluated: 2024-12-09. Review status: criteria provided, single submitter. Criteria: Invitae Variant Classification Sherloc (09022015). Collection method: clinical testing. Allele origin: germline.
Comment: This sequence change replaces tyrosine, which is neutral and polar, with cysteine, which is neutral and slightly polar, at codon 288 of the PPP3CA protein (p.Tyr288Cys). This variant is not present in population databases (gnomAD no frequency). This missense change has been observed in individual(s) with clinical features of PPP3CA-related conditions (internal data). In at least one individual the variant was observed to be de novo. An algorithm developed to predict the effect of missense changes on protein structure and function (PolyPhen-2) suggests that this variant is likely to be disruptive. In summary, the currently available evidence indicates that the variant is pathogenic, but additional data are needed to prove that conclusively. Therefore, this variant has been classified as Likely Pathogenic.

NM_000944.5(PPP3CA):c.863A>G (p.Tyr288Cys)

Gene: PPP3CA (protein phosphatase 3 catalytic subunit alpha; minus strand). Cytogenetic location: 4q24.
Variant type: single nucleotide variant.
Coding change: c.863A>G on transcript NM_000944.5 (MANE Select); coding-DNA position 863, A replaced by G.
Protein change: p.Tyr288Cys; replaces tyrosine 288 with cysteine.
Molecular consequence: missense variant.
Genome position (GRCh38, 1-based): chr4:101,080,624, T>C on the plus strand (A>G on the coding strand, the complement: PPP3CA is on the minus strand). VCF-style: chr4-101080624-T-C. GRCh37 (hg19) VCF-style: chr4-102001781-T-C.
Other names: c.863A>G, p.Tyr288Cys (NM_001130691.2, NM_001130692.2); short protein forms Y288C.
Identifiers: ClinVar variation 3722113 (VCV003722113.2).